The following is an entry in ClinVar:

ClinVar aggregate classification (germline): Likely pathogenic. Review status: criteria provided, multiple submitters, no conflicts (2 of 4 stars). 3 submissions from 3 submitters: Likely pathogenic (3). Last evaluated 2024-01-05.

Conditions:
Familial adenomatous polyposis 1 (FAP1). Also called: POLYPOSIS, ADENOMATOUS INTESTINAL; FAMILIAL ADENOMATOUS POLYPOSIS 1, ATTENUATED. Identifiers: MedGen C2713442, MONDO:0021056, OMIM 175100. Disease mechanism: loss of function.

Submissions (3):

Baylor Genetics
Classification: Likely pathogenic for Familial adenomatous polyposis 1. Last evaluated: 2024-01-05. Review status: criteria provided, single submitter. Criteria: ACMG Guidelines, 2015. Collection method: clinical testing. Allele origin: unknown.

Myriad Genetics, Inc.
Classification: Likely pathogenic for Familial adenomatous polyposis 1. Last evaluated: 2023-05-02. Review status: criteria provided, single submitter. Criteria: Myriad Autosomal Dominant, Autosomal Recessive and X-Linked Classification Criteria (2023). Collection method: clinical testing. Allele origin: unknown.
Comment: This variant is considered likely pathogenic. This variant occurs within a consensus splice junction and is predicted to result in abnormal mRNA splicing of either an out-of-frame exon or an in-frame exon necessary for protein stability and/or normal function.

Labcorp Genetics (formerly Invitae), Labcorp
Classification: Likely pathogenic for Familial adenomatous polyposis 1. Last evaluated: 2020-04-28. Review status: criteria provided, single submitter. Criteria: Invitae Variant Classification Sherloc (09022015). Collection method: clinical testing. Allele origin: germline.
Comment: This sequence change affects an acceptor splice site in intron 12 of the APC gene. It is expected to disrupt RNA splicing and likely results in an absent or disrupted protein product. This variant is not present in population databases (ExAC no frequency). This variant has been observed in individual(s) with clinical features of familial adenomatous polyposis (PMID: 20223039). Algorithms developed to predict the effect of sequence changes on RNA splicing suggest that this variant may disrupt the consensus splice site, but this prediction has not been confirmed by published transcriptional studies. Donor and acceptor splice site variants typically lead to a loss of protein function (PMID: 16199547), and loss-of-function variants in APC are known to be pathogenic (PMID: 17963004, 20685668). In summary, the currently available evidence indicates that the variant is pathogenic, but additional data are needed to prove that conclusively. Therefore, this variant has been classified as Likely Pathogenic.

Literature cited by the submitters: PubMed 20223039 (cited by Labcorp Genetics (formerly Invitae), Labcorp); PubMed 16199547 (cited by Labcorp Genetics (formerly Invitae), Labcorp); PubMed 17963004 (cited by Labcorp Genetics (formerly Invitae), Labcorp); PubMed 20685668 (cited by Labcorp Genetics (formerly Invitae), Labcorp).

NM_000038.6(APC):c.1549-1G>T

Gene: APC (APC regulator of Wnt signaling pathway; plus strand). Cytogenetic location: 5q22.2.
Variant type: single nucleotide variant.
Coding change: c.1549-1G>T on transcript NM_000038.6 (MANE Select); the canonical splice acceptor site of the intron before coding-DNA position 1549, G replaced by T.
Molecular consequence: splice acceptor variant.
Genome position (GRCh38, 1-based): chr5:112,827,928, G>T. VCF-style: chr5-112827928-G-T. GRCh37 (hg19) VCF-style: chr5-112163625-G-T.
Other names: c.700-1G>T (NM_001407470.1, NM_001354906.2); c.397-1G>T (NM_001407472.1, NM_001407471.1); c.1603-1G>T (NM_001407447.1, NM_001407448.1, NM_001407449.1 and 1 more transcripts); c.1549-1G>T (NM_001354895.2, NM_001407450.1, NM_001127510.3); c.1300-1G>T (NM_001407456.1, NM_001407457.1, NM_001407455.1 and 1 more transcripts); c.1246-1G>T (NM_001407460.1, NM_001407458.1, NM_001407459.1 and 1 more transcripts); c.1519-1G>T (NM_001407452.1); c.1162-1G>T (NM_001407469.1, NM_001407467.1); and 11 more.
Identifiers: ClinVar variation 1066317 (VCV001066317.12), dbSNP rs863225316, ClinGen allele CA360619901.